The following is an entry in ClinVar:

NM_005251.3(FOXC2):c.760G>C (p.Gly254Arg)

Gene: FOXC2 (forkhead box C2; plus strand). Cytogenetic location: 16q24.1.
Variant type: single nucleotide variant.
Coding change: c.760G>C on transcript NM_005251.3 (MANE Select); coding-DNA position 760, G replaced by C.
Protein change: p.Gly254Arg; replaces glycine 254 with arginine.
Molecular consequence: missense variant.
Genome position (GRCh38, 1-based): chr16:86,568,095, G>C. VCF-style: chr16-86568095-G-C. GRCh37 (hg19) VCF-style: chr16-86601701-G-C.
Other names: short protein forms G254R.
Identifiers: ClinVar variation 1030896 (VCV001030896.1), dbSNP rs966178183, ClinGen allele CA397008388.

ClinVar aggregate classification (germline): Uncertain significance (1 of 4 stars; one submission).

Conditions:
Distichiasis-lymphedema syndrome. Also called: LYMPHEDEMA WITH DISTICHIASIS. Identifiers: Orphanet 33001, MedGen C0265345, MONDO:0007922, OMIM 153400.

Submission:

Baylor Genetics
Classification: Uncertain significance for Distichiasis-lymphedema syndrome. Last evaluated: 2019-08-13. Review status: criteria provided, single submitter. Criteria: ACMG Guidelines, 2015. Collection method: clinical testing. Allele origin: unknown. Affected: yes.
Comment: This variant was determined to be of uncertain significance according to ACMG Guidelines, 2015 [PMID:25741868].